The following is an entry in ClinVar:

ClinVar aggregate classification (germline): Uncertain significance (1 of 4 stars; one submission).

Allele frequency attached by ClinVar (database versions not stated): gnomAD exomes below 0.00001.
gnomAD v4.1: 1 of 1,542,434 alleles (0.000065%); highest among the groups gnomAD compares: Non-Finnish European, 0.000088%; no homozygotes.

Submission:

Labcorp Genetics (formerly Invitae), Labcorp
Classification: Uncertain significance. Last evaluated: 2021-09-01. Review status: criteria provided, single submitter. Criteria: Invitae Variant Classification Sherloc (09022015). Collection method: clinical testing. Allele origin: germline.
Comment: This sequence change replaces isoleucine with valine at codon 2175 of the EYS protein (p.Ile2175Val). The isoleucine residue is highly conserved and there is a small physicochemical difference between isoleucine and valine. This variant is not present in population databases (ExAC no frequency). This variant has not been reported in the literature in individuals affected with EYS-related conditions. Algorithms developed to predict the effect of missense changes on protein structure and function (SIFT, PolyPhen-2, Align-GVGD) all suggest that this variant is likely to be tolerated. In summary, the available evidence is currently insufficient to determine the role of this variant in disease. Therefore, it has been classified as a Variant of Uncertain Significance.

NM_001142800.2(EYS):c.6523A>G (p.Ile2175Val)

Gene: EYS (eyes shut homolog; minus strand). Cytogenetic location: 6q12.
Variant type: single nucleotide variant.
Coding change: c.6523A>G on transcript NM_001142800.2 (MANE Select); coding-DNA position 6523, A replaced by G.
Protein change: p.Ile2175Val; replaces isoleucine 2175 with valine.
Molecular consequence: missense variant.
Genome position (GRCh38, 1-based): chr6:64,081,904, T>C on the plus strand (A>G on the coding strand, the complement: EYS is on the minus strand). VCF-style: chr6-64081904-T-C. GRCh37 (hg19) VCF-style: chr6-64791797-T-C.
Other names: c.6523A>G, p.Ile2175Val (NM_001292009.2); short protein forms I2175V.
Identifiers: ClinVar variation 937864 (VCV000937864.7), dbSNP rs1771984821, ClinGen allele CA364390899.